The following is an entry in ClinVar:

NC_000012.12:g.121641614C>T

Gene: ORAI1 (ORAI calcium release-activated calcium modulator 1; plus strand). Cytogenetic location: 12q24.31.
Variant type: single nucleotide variant.
Molecular consequence: non-coding transcript variant (on NR_186857.1).
Genome position: GRCh38 VCF-style: chr12-121641614-C-T. GRCh37 (hg19) VCF-style: chr12-122079520-C-T.
Identifiers: ClinVar variation 4786175 (VCV004786175.1).

ClinVar aggregate classification (germline): Uncertain significance (1 of 4 stars; one submission).

Conditions:
Combined immunodeficiency due to ORAI1 deficiency. Also called: IMMUNODEFICIENCY 9. Identifiers: Orphanet 169090, Orphanet 317428, MedGen C2748568, MONDO:0013007, OMIM 612782.
Myopathy, tubular aggregate, 2 (TAM2). Identifiers: MedGen C4014557, MONDO:0014383, OMIM 615883.

Submission:

Labcorp Genetics (formerly Invitae), Labcorp
Classification: Uncertain significance for Myopathy, tubular aggregate, 2; Combined immunodeficiency due to ORAI1 deficiency. Last evaluated: 2025-09-30. Review status: criteria provided, single submitter. Criteria: Invitae Variant Classification Sherloc (09022015). Collection method: clinical testing. Allele origin: germline.
Comment: This sequence change replaces proline, which is neutral and non-polar, with serine, which is neutral and polar, at codon 293 of the ORAI1 protein (p.Pro293Ser). This variant is present in population databases (no rsID available, gnomAD 0.0009%). This variant has not been reported in the literature in individuals affected with ORAI1-related conditions. An algorithm developed to predict the effect of missense changes on protein structure and function outputs the following: PolyPhen-2: "Not Available". The serine amino acid residue is found in multiple mammalian species, which suggests that this missense change does not adversely affect protein function. In summary, the available evidence is currently insufficient to determine the role of this variant in disease. Therefore, it has been classified as a Variant of Uncertain Significance.